The following is an entry in ClinVar:

NM_001374385.1(ATP8B1):c.273A>G (p.Lys91=)

Gene: ATP8B1 (ATPase phospholipid transporting 8B1; minus strand). Cytogenetic location: 18q21.31.
Variant type: single nucleotide variant.
Coding change: c.273A>G on transcript NM_001374385.1 (MANE Select); coding-DNA position 273, A replaced by G.
Protein change: p.Lys91=; no amino-acid change (lysine 91 retained).
Molecular consequence: synonymous variant. On other transcripts: intron variant (1).
Genome position (GRCh38, 1-based): chr18:57,706,496, T>C on the plus strand (A>G on the coding strand, the complement: ATP8B1 is on the minus strand). VCF-style: chr18-57706496-T-C. GRCh37 (hg19) VCF-style: chr18-55373728-T-C.
Other names: c.273A>G, p.Lys91= (NM_005603.6); c.130-1828A>G (NM_001374386.1).
Identifiers: ClinVar variation 3355786 (VCV003355786.1).

ClinVar aggregate classification (germline): Uncertain significance (0 of 4 stars; one submission).

Conditions:
ATP8B1-related disorder. Also called: ATP8B1-related condition; ATP8B1-related disorders.

gnomAD v4.1: 31 of 1,612,866 alleles (0.0019%); highest among the groups gnomAD compares: Non-Finnish European, 0.0025%; no homozygotes.

Submission:

PreventionGenetics, part of Exact Sciences
Classification: Uncertain significance for ATP8B1-related condition. Last evaluated: 2024-04-30. Review status: no assertion criteria provided. Collection method: clinical testing. Allele origin: germline.
Comment: The ATP8B1 c.273A>G variant is not predicted to result in an amino acid change (p.=). This variant is predicted to impact splicing based on splicing prediction programs (SpliceAI, Jaganathan K, et al. 2019. PubMed ID: 30661751). To our knowledge, this variant has not been reported in the literature. This variant is reported in 0.0018% of alleles in individuals of European (Non-Finnish) descent in gnomAD. At this time, the clinical significance of this variant is uncertain due to the absence of conclusive functional and genetic evidence.